The following is an entry in ClinVar:

NM_194248.3(OTOF):c.1976C>T (p.Pro659Leu)

Gene: OTOF (otoferlin; minus strand). Cytogenetic location: 2p23.3.
Variant type: single nucleotide variant.
Coding change: c.1976C>T on transcript NM_194248.3 (MANE Select); coding-DNA position 1976, C replaced by T.
Protein change: p.Pro659Leu; replaces proline 659 with leucine.
Molecular consequence: missense variant.
Genome position (GRCh38, 1-based): chr2:26,479,590, G>A on the plus strand (C>T on the coding strand, the complement: OTOF is on the minus strand). VCF-style: chr2-26479590-G-A. GRCh37 (hg19) VCF-style: chr2-26702458-G-A.
Other names: c.1976C>T, p.Pro659Leu (NM_001287489.2); short protein forms P659L.
Identifiers: ClinVar variation 2896043 (VCV002896043.5), dbSNP rs201783245, ClinGen allele CA1564096.

ClinVar aggregate classification (germline): Conflicting classifications of pathogenicity. Review status: criteria provided, conflicting classifications (1 of 4 stars). 3 submissions from 3 submitters: Uncertain significance (2); Likely benign (1). Last evaluated 2025-12-30.

Allele frequency attached by ClinVar (database versions not stated): gnomAD exomes 0.00004; TOPMed 0.00005; gnomAD 0.00007; ExAC 0.00008; ESP Exome Variant Server 0.00008.

Submissions (3):

Labcorp Genetics (formerly Invitae), Labcorp
Classification: Likely benign. Last evaluated: 2025-12-30. Review status: criteria provided, single submitter. Criteria: Invitae Variant Classification Sherloc (09022015). Collection method: clinical testing. Allele origin: germline.

GeneDx
Classification: Uncertain significance. Last evaluated: 2024-09-04. Review status: criteria provided, single submitter. Criteria: GeneDx Variant Classification Process June 2021. Collection method: clinical testing. Allele origin: germline. Affected: yes.
Comment: In silico analysis indicates that this missense variant does not alter protein structure/function; Has not been previously published as pathogenic or benign to our knowledge

Blueprint Genetics
Classification: Uncertain significance. Last evaluated: 2021-07-12. Review status: criteria provided, single submitter. Criteria: ACMG Guidelines, 2015. Collection method: clinical testing. Allele origin: germline.